The following is an entry in ClinVar:

NM_001023570.4(IQCB1):c.1518C>T (p.His506=)

Gene: IQCB1 (IQ motif containing B1; minus strand). Cytogenetic location: 3q13.33.
Variant type: single nucleotide variant.
Coding change: c.1518C>T on transcript NM_001023570.4 (MANE Select); coding-DNA position 1518, C replaced by T.
Protein change: p.His506=; no amino-acid change (histidine 506 retained).
Molecular consequence: synonymous variant. On other transcripts: non-coding transcript variant (1).
Genome position (GRCh38, 1-based): chr3:121,772,606, G>A on the plus strand (C>T on the coding strand, the complement: IQCB1 is on the minus strand). VCF-style: chr3-121772606-G-A. GRCh37 (hg19) VCF-style: chr3-121491453-G-A.
Other names: c.1119C>T, p.His373= (NM_001023571.4); c.1518C>T, p.His506= (NM_001319107.2); c.1518C>T (NM_001023570.3).
Identifiers: ClinVar variation 1550055 (VCV001550055.9), dbSNP rs552232586, ClinGen allele CA2567075.

ClinVar aggregate classification (germline): Likely benign. Review status: criteria provided, multiple submitters, no conflicts (2 of 4 stars). 2 submissions from 2 submitters: Likely benign (2). Last evaluated 2025-12-26.

Conditions:
IQCB1-related disorder. Also called: IQCB1-related condition.
Nephronophthisis. Also called: Juvenile Nephronophthisis. Identifiers: Orphanet 655, MedGen C0687120, MONDO:0019005, HP:0000090.

Allele frequency attached by ClinVar (database versions not stated): gnomAD exomes 0.00001; ExAC 0.00002; TOPMed 0.00005; gnomAD 0.00008 and 0.00009; 1000 Genomes Project 30x 0.00016; 1000 Genomes Project 0.00020.

Submissions (2):

PreventionGenetics, part of Exact Sciences
Classification: Likely benign for IQCB1-related condition. Last evaluated: 2025-12-26. Review status: criteria provided, single submitter. Criteria: ACMG Guidelines, 2015. Collection method: clinical testing. Allele origin: germline.
Comment: This variant is classified as likely benign based on ACMG/AMP sequence variant interpretation guidelines (Richards et al. 2015 PMID: 25741868, with internal and published modifications).

Labcorp Genetics (formerly Invitae), Labcorp
Classification: Likely benign for Nephronophthisis. Last evaluated: 2024-01-30. Review status: criteria provided, single submitter. Criteria: Invitae Variant Classification Sherloc (09022015). Collection method: clinical testing. Allele origin: germline.